The following is an entry in ClinVar:

ClinVar aggregate classification (germline): Benign/Likely benign. Review status: criteria provided, multiple submitters, no conflicts (2 of 4 stars). 5 submissions from 5 submitters: Benign (3); Likely benign (2). Last evaluated 2026-02-03.

Allele frequency attached by ClinVar (database versions not stated): 1000 Genomes Project 0.00499; 1000 Genomes Project 30x 0.00500; TOPMed 0.01160; gnomAD exomes 0.01231 and 0.01717; gnomAD 0.01253 and 0.01316; ExAC 0.01323; ESP Exome Variant Server 0.01469.
gnomAD v4.1: 26,980 of 1,613,890 alleles (1.7%); highest among the groups gnomAD compares: Non-Finnish European, 2%; 274 homozygotes.

Submissions (5):

Labcorp Genetics (formerly Invitae), Labcorp
Classification: Benign. Last evaluated: 2026-02-03. Review status: criteria provided, single submitter. Criteria: Invitae Variant Classification Sherloc (09022015). Collection method: clinical testing. Allele origin: germline.

Blueprint Genetics
Classification: Likely benign. Last evaluated: 2024-11-27. Review status: criteria provided, single submitter. Criteria: ACMG Guidelines, 2015. Collection method: clinical testing. Allele origin: germline.

GeneDx
Classification: Likely benign. Last evaluated: 2022-07-12. Review status: criteria provided, single submitter. Criteria: GeneDx Variant Classification Process June 2021. Collection method: clinical testing. Allele origin: germline. Affected: yes.
Comment: See Variant Classification Assertion Criteria.

Laboratory for Molecular Medicine, Mass General Brigham Personalized Medicine
Classification: Benign. Last evaluated: 2014-11-24. Review status: criteria provided, single submitter. Criteria: LMM Criteria. Collection method: clinical testing. Allele origin: germline. Observed: 2 variant alleles.
Comment: Asp312Asn in exon 8 of CSF2RB: This variant is not expected to have clinical sig nificance because it has been identified in 2.0% (176/8600) of European American chromosomes from a broad population by the NHLBI Exome Sequencing Project (dbSNP rs117805308).

Breakthrough Genomics
Classification: Benign. Review status: criteria provided, single submitter. Criteria: ACMG Guidelines, 2015. Collection method: not provided. Allele origin: germline. Inheritance: Autosomal recessive inheritance. Affected: yes.

NM_000395.3(CSF2RB):c.934G>A (p.Asp312Asn)

Gene: CSF2RB (colony stimulating factor 2 receptor subunit beta; plus strand). Cytogenetic location: 22q12.3.
Variant type: single nucleotide variant.
Coding change: c.934G>A on transcript NM_000395.3 (MANE Select); coding-DNA position 934, G replaced by A.
Protein change: p.Asp312Asn; replaces aspartic acid 312 with asparagine.
Molecular consequence: missense variant.
Genome position (GRCh38, 1-based): chr22:36,930,752, G>A. VCF-style: chr22-36930752-G-A. GRCh37 (hg19) VCF-style: chr22-37326794-G-A.
Other names: short protein forms D312N.
Identifiers: ClinVar variation 226556 (VCV000226556.16), dbSNP rs117805308, ClinGen allele CA10213647.